The following is an entry in ClinVar:

NM_001042492.3(NF1):c.4062C>T (p.Ser1354=)

Gene: NF1 (neurofibromin 1; plus strand). Cytogenetic location: 17q11.2.
Variant type: single nucleotide variant.
Coding change: c.4062C>T on transcript NM_001042492.3 (MANE Select); coding-DNA position 4062, C replaced by T.
Protein change: p.Ser1354=; no amino-acid change (serine 1354 retained).
Molecular consequence: synonymous variant.
Genome position (GRCh38, 1-based): chr17:31,249,071, C>T. VCF-style: chr17-31249071-C-T. GRCh37 (hg19) VCF-style: chr17-29576089-C-T.
Other names: c.4062C>T, p.Ser1354= (NM_000267.4).
Identifiers: ClinVar variation 757179 (VCV000757179.37), dbSNP rs1597735169, ClinGen allele CA499233101.

ClinVar aggregate classification (germline): Likely benign. Review status: criteria provided, multiple submitters, no conflicts (2 of 4 stars). 2 submissions from 2 submitters: Likely benign (2). Last evaluated 2024-02-17.

Conditions:
Neurofibromatosis, type 1 (NF1). Also called: Neurofibromatosis, type I; NEUROFIBROMATOSIS, TYPE I, SOMATIC; VON RECKLINGHAUSEN DISEASE; Peripheral type neurofibromatosis. Identifiers: Orphanet 636, MedGen C0027831, MONDO:0018975, OMIM 162200. Disease mechanism: loss of function.

Submissions (2):

Labcorp Genetics (formerly Invitae), Labcorp
Classification: Likely benign for Neurofibromatosis, type 1. Last evaluated: 2024-02-17. Review status: criteria provided, single submitter. Criteria: Invitae Variant Classification Sherloc (09022015). Collection method: clinical testing. Allele origin: germline.

CeGaT Center for Human Genetics Tuebingen
Classification: Likely benign. Last evaluated: 2022-08-01. Review status: criteria provided, single submitter. Criteria: CeGaT Center For Human Genetics Tuebingen Variant Classification Criteria Version 2. Collection method: clinical testing. Allele origin: germline. Affected: yes. Observed: 1 variant allele.
Comment: NF1: PM2:Supporting, BP4, BP7